The following is an entry in ClinVar:

NM_000051.4(ATM):c.8671+2T>G

Genes: ATM (ATM serine/threonine kinase; plus strand), C11orf65 (chromosome 11 open reading frame 65; minus strand). Cytogenetic location: 11q22.3.
Variant type: single nucleotide variant.
Coding change: c.8671+2T>G on transcript NM_000051.4 (MANE Select); the canonical splice donor site of the intron after coding-DNA position 8671, T replaced by G.
Molecular consequence: splice donor variant. On other transcripts: intron variant (2).
Genome position (GRCh38, 1-based): chr11:108,347,367, T>G. VCF-style: chr11-108347367-T-G. GRCh37 (hg19) VCF-style: chr11-108218094-T-G.
Other names: c.8671+2T>G (NM_001351834.2); c.641-38296A>C (NM_001330368.2); c.695-12075A>C (NM_001351110.2).
Identifiers: ClinVar variation 822642 (VCV000822642.6), dbSNP rs1057516229, ClinGen allele CA382521394.

ClinVar aggregate classification (germline): Likely pathogenic (1 of 4 stars; one submission).

Conditions:
Hereditary cancer-predisposing syndrome. Also called: Tumor predisposition; Neoplastic Syndromes, Hereditary; Hereditary Cancer Syndrome; Hereditary neoplastic syndrome. Identifiers: Orphanet 140162, MedGen C0027672, MeSH D009386, MONDO:0015356.

Submission:

Ambry Genetics
Classification: Likely pathogenic for Hereditary cancer-predisposing syndrome. Last evaluated: 2019-08-19. Review status: criteria provided, single submitter. Criteria: Ambry Variant Classification Scheme 2023. Collection method: clinical testing. Allele origin: germline.
Comment: The c.8671+2T>G intronic variant results from a T to G substitution two nucleotides after coding exon 58 in the ATM gene. Using the BDGP and ESEfinder splice site prediction tools, this alteration is predicted to abolish the native splice donor site; however, direct evidence is unavailable. Alterations that disrupt the canonical splice site are expected to cause aberrant splicing, resulting in an abnormal protein or a transcript that is subject to nonsense-mediated mRNA decay. As such, this alteration is classified as likely pathogenic.